The following is an entry in ClinVar:

ClinVar aggregate classification (germline): Uncertain significance (1 of 4 stars; one submission).

Conditions:
Familial thoracic aortic aneurysm and aortic dissection (TAAD). Also called: Thoracic aortic aneurysms and dissections. Identifiers: Orphanet 91387, MedGen C4707243, MONDO:0019625.

gnomAD v4.1: 6 of 1,072,124 alleles (0.00056%); highest among the groups gnomAD compares: Non-Finnish European, 0.00067%; no homozygotes.

Submission:

Ambry Genetics
Classification: Uncertain significance for Familial thoracic aortic aneurysm and aortic dissection. Last evaluated: 2023-05-17. Review status: criteria provided, single submitter. Criteria: Ambry Variant Classification Scheme 2023. Collection method: clinical testing. Allele origin: germline.
Comment: The p.P10S variant (also known as c.28C>T), located in coding exon 1 of the TGFBR1 gene, results from a C to T substitution at nucleotide position 28. The proline at codon 10 is replaced by serine, an amino acid with similar properties. This amino acid position is well conserved in available vertebrate species. In addition, this alteration is predicted to be tolerated by in silico analysis. Since supporting evidence is limited at this time, the clinical significance of this alteration remains unclear.

NM_004612.4(TGFBR1):c.28C>T (p.Pro10Ser)

Genes: TGFBR1 (transforming growth factor beta receptor 1; plus strand), LOC130002223 (ATAC-STARR-seq lymphoblastoid silent region 20124; plus strand). Cytogenetic location: 9q22.33.
Variant type: single nucleotide variant.
Coding change: c.28C>T on transcript NM_004612.4 (MANE Select); coding-DNA position 28, C replaced by T.
Protein change: p.Pro10Ser; replaces proline 10 with serine.
Molecular consequence: missense variant. On other transcripts: 5 prime UTR variant (5), non-coding transcript variant (4), intron variant (8).
Genome position (GRCh38, 1-based): chr9:99,105,233, C>T. VCF-style: chr9-99105233-C-T. GRCh37 (hg19) VCF-style: chr9-101867515-C-T.
Other names: c.28C>T, p.Pro10Ser (NM_001306210.2, NM_001407416.1, NM_001407417.1 and 5 more transcripts); c.-316C>T (NM_001407420.1, NM_001407429.1); c.-285C>T (NM_001407422.1, NM_001407426.1); c.-240C>T (NM_001407428.1); c.-111+1492C>T (NM_001407418.1, NM_001407423.1); c.-111+1127C>T (NM_001407424.1); c.-111+714C>T (NM_001407425.1); c.-111+507C>T (NM_001407434.1); and 2 more; short protein forms P10S.
Identifiers: ClinVar variation 2566477 (VCV002566477.2), dbSNP rs2490932701, ClinGen allele CA374223532.
Genomic context (GRCh38, chr9:99,105,233, plus strand): 5'-CCGGGCCGGGCCACAGGCGGTGGCGGCGGGACCATGGAGGCGGCGGTCGCTGCTCCGCGT[C>T]CCCGGCTGCTCCTCCTCGTGCTGGCGGCGGCGGCGGCGGCGGCGGCGGCGCTGCTCCCGG-3'
Protein context (NP_004603.1, residues 1-20): MEAAVAAPR[Pro10Ser]RLLLLVLAAA